The following is an entry in ClinVar:

ClinVar aggregate classification (germline): Uncertain significance (1 of 4 stars; one submission).

Conditions:
MAP1B-related disorder. Also called: MAP1B-related condition.

Submission:

PreventionGenetics, part of Exact Sciences
Classification: Uncertain significance for MAP1B-related condition. Last evaluated: 2026-04-21. Review status: criteria provided, single submitter. Criteria: ACMG Guidelines, 2015. Collection method: clinical testing. Allele origin: germline.
Comment: The MAP1B c.5485C>A variant is predicted to result in the amino acid substitution p.Pro1829Thr. To our knowledge, this variant has not been reported in the literature or in a large population database (gnomAD), indicating this variant is rare. At this time, the clinical significance of this variant is uncertain due to the absence of conclusive functional and genetic evidence.

NM_005909.5(MAP1B):c.5485C>A (p.Pro1829Thr)

Gene: MAP1B (microtubule associated protein 1B; plus strand). Cytogenetic location: 5q13.2.
Variant type: single nucleotide variant.
Coding change: c.5485C>A on transcript NM_005909.5 (MANE Select); coding-DNA position 5485, C replaced by A.
Protein change: p.Pro1829Thr; replaces proline 1829 with threonine.
Molecular consequence: missense variant.
Genome position (GRCh38, 1-based): chr5:72,198,840, C>A. VCF-style: chr5-72198840-C-A. GRCh37 (hg19) VCF-style: chr5-71494667-C-A.
Other names: c.5107C>A, p.Pro1703Thr (NM_001324255.2); short protein forms P1703T, P1829T.
Identifiers: ClinVar variation 4996513 (VCV004996513.1).